The following is an entry in ClinVar:

ClinVar aggregate classification (germline): Pathogenic/Likely pathogenic. Review status: criteria provided, multiple submitters, no conflicts (2 of 4 stars). 3 submissions from 3 submitters: Pathogenic (2); Likely pathogenic (1). Last evaluated 2024-08-07.

Conditions:
Pontocerebellar hypoplasia type 6 (PCH6). Identifiers: Orphanet 166073, MedGen C1969084, MONDO:0012683, OMIM 611523.

Submissions (3):

Natera, Inc.
Classification: Likely pathogenic for Pontocerebellar hypoplasia, type 6. Last evaluated: 2024-08-07. Review status: criteria provided, single submitter. Criteria: Natera Variant Classification Schema (03/2026). Collection method: clinical testing. Allele origin: germline.
Comment: The c.1055dupA variant in RARS2 is a frameshift variant predicted to shift the reading frame beginning at codon 353 and leads to a stop codon 15 codons downstream. This variant is expected to result in nonsense mediated decay, truncation, or a dysfunctional protein product. This variant is rare in the general population with a frequency below the threshold expected for the associated phenotype(s). Given the available evidence, this variant is classified as Likely Pathogenic.

Baylor Genetics
Classification: Pathogenic for Pontocerebellar hypoplasia type 6. Last evaluated: 2024-02-29. Review status: criteria provided, single submitter. Criteria: ACMG Guidelines, 2015. Collection method: clinical testing. Allele origin: unknown.

Labcorp Genetics (formerly Invitae), Labcorp
Classification: Pathogenic. Last evaluated: 2023-03-03. Review status: criteria provided, single submitter. Criteria: Invitae Variant Classification Sherloc (09022015). Collection method: clinical testing. Allele origin: germline.
Comment: The frequency data for this variant in the population databases is considered unreliable, as metrics indicate poor data quality at this position in the gnomAD database. This sequence change creates a premature translational stop signal (p.His353Alafs*15) in the RARS2 gene. It is expected to result in an absent or disrupted protein product. Loss-of-function variants in RARS2 are known to be pathogenic (PMID: 17847012, 22569581, 26083569). This variant has not been reported in the literature in individuals affected with RARS2-related conditions. ClinVar contains an entry for this variant (Variation ID: 1970672). For these reasons, this variant has been classified as Pathogenic.

Literature cited by the submitters: PubMed 17847012 (cited by Labcorp Genetics (formerly Invitae), Labcorp); PubMed 22569581 (cited by Labcorp Genetics (formerly Invitae), Labcorp); PubMed 26083569 (cited by Labcorp Genetics (formerly Invitae), Labcorp).

NM_020320.5(RARS2):c.1055dup (p.His353fs)

Gene: RARS2 (arginyl-tRNA synthetase 2, mitochondrial; minus strand). Cytogenetic location: 6q15.
Variant type: Duplication.
Coding change: c.1055dup on transcript NM_020320.5 (MANE Select); coding-DNA position 1055, one base duplicated (A; older notation c.1055dupA).
Protein change: p.His353fs; shifts the reading frame from histidine 353.
Molecular consequence: frameshift variant. On other transcripts: non-coding transcript variant (23).
Genome position (GRCh38, 1-based): chr6:87,520,237, T duplicated on the plus strand (A on the coding strand, the reverse complement: RARS2 is on the minus strand); the first of 7 consecutive T bases (chr6:87,520,237-87,520,243); duplicating any one gives the same sequence. VCF-style (leftmost placement, unchanged base first): chr6-87520236-C-CT. GRCh37 (hg19) VCF-style: chr6-88229954-C-CT.
Other names: c.530dup, p.His178fs (NM_001318785.2, NM_001350506.2, NM_001350507.2 and 4 more transcripts); c.1055dup, p.His353fs (NM_001350505.2); c.1055dupA (NM_020320.4); short protein forms H178fs, H353fs.
Identifiers: ClinVar variation 1970672 (VCV001970672.8), dbSNP rs756696262, ClinGen allele CA3916401.